The following is an entry in ClinVar:

ClinVar aggregate classification (germline): Benign/Likely benign. Review status: criteria provided, multiple submitters, no conflicts (2 of 4 stars). 3 submissions from 3 submitters: Benign (2); Likely benign (1). Last evaluated 2025-11-02.

Allele frequency attached by ClinVar (database versions not stated): ESP Exome Variant Server 0.00008; gnomAD 0.00009 and 0.00037; TOPMed 0.00013; gnomAD exomes 0.00048 and 0.00110; ExAC 0.00144; 1000 Genomes Project 30x 0.00250; 1000 Genomes Project 0.00300.
gnomAD v4.1: 766 of 1,612,656 alleles (0.047%); highest among the groups gnomAD compares: South Asian, 0.72%; 8 homozygotes.

Submissions (3):

Labcorp Genetics (formerly Invitae), Labcorp
Classification: Benign. Last evaluated: 2025-11-02. Review status: criteria provided, single submitter. Criteria: Invitae Variant Classification Sherloc (09022015). Collection method: clinical testing. Allele origin: germline.

CeGaT Center for Human Genetics Tuebingen
Classification: Likely benign. Last evaluated: 2024-08-01. Review status: criteria provided, single submitter. Criteria: CeGaT Center For Human Genetics Tuebingen Variant Classification Criteria Version 2. Collection method: clinical testing. Allele origin: germline. Affected: yes. Observed: 2 variant alleles.
Comment: KMT2B: BP4, BP7

Breakthrough Genomics
Classification: Benign. Review status: criteria provided, single submitter. Criteria: ACMG Guidelines, 2015. Collection method: not provided. Allele origin: germline. Inheritance: Autosomal dominant inheritance. Affected: yes.

NM_014727.3(KMT2B):c.4923C>T (p.Cys1641=)

Gene: KMT2B (lysine methyltransferase 2B; plus strand). Cytogenetic location: 19q13.12.
Variant type: single nucleotide variant.
Coding change: c.4923C>T on transcript NM_014727.3 (MANE Select); coding-DNA position 4923, C replaced by T.
Protein change: p.Cys1641=; no amino-acid change (cysteine 1641 retained).
Molecular consequence: synonymous variant.
Genome position (GRCh38, 1-based): chr19:35,729,972, C>T. VCF-style: chr19-35729972-C-T. GRCh37 (hg19) VCF-style: chr19-36220873-C-T.
Identifiers: ClinVar variation 758654 (VCV000758654.32), dbSNP rs192205094, ClinGen allele CA9385258.